The following is an entry in ClinVar:

NM_016123.4(IRAK4):c.143dup (p.Tyr48Ter)

Gene: IRAK4 (interleukin 1 receptor associated kinase 4; plus strand). Cytogenetic location: 12q12.
Variant type: Duplication.
Coding change: c.143dup on transcript NM_016123.4 (MANE Select); coding-DNA position 143, one base duplicated (A; older notation c.143dupA).
Protein change: p.Tyr48Ter; replaces tyrosine 48 with a stop codon.
Molecular consequence: nonsense. On other transcripts: 5 prime UTR variant (8), intron variant (2).
Genome position (GRCh38, 1-based): chr12:43,768,254, A duplicated. VCF-style (leftmost placement, unchanged base first): chr12-43768253-T-TA. GRCh37 (hg19) VCF-style: chr12-44162056-T-TA.
Other names: c.143dup, p.Tyr48Ter (NM_001114182.3, NM_001351345.2); c.-84dup (NM_001145256.2, NM_001145257.2, NM_001351338.2); c.-297dup (NM_001351339.2, NM_001351340.2, NM_001351341.2); c.-235dup (NM_001351343.2, NM_001351344.2); c.-278-2784dup (NM_001351342.2); c.-65-3926dup (NM_001145258.2); short protein forms Y48*.
Identifiers: ClinVar variation 3002605 (VCV003002605.3), dbSNP rs2540412097, ClinGen allele CA2740092355.

ClinVar aggregate classification (germline): Pathogenic (1 of 4 stars; one submission).

Conditions:
Immunodeficiency 67. Also called: Immunodeficiency due to interleukin-1 receptor-associated kinase-4 deficiency. Identifiers: Orphanet 70592, MedGen C1843256, MONDO:0011888, OMIM 607676.

Submission:

Labcorp Genetics (formerly Invitae), Labcorp
Classification: Pathogenic for Immunodeficiency 67. Last evaluated: 2023-03-24. Review status: criteria provided, single submitter. Criteria: Invitae Variant Classification Sherloc (09022015). Collection method: clinical testing. Allele origin: germline.
Comment: For these reasons, this variant has been classified as Pathogenic. This premature translational stop signal has been observed in individual(s) with IRAK-4 deficiency (PMID: 17893200). This variant is not present in population databases (gnomAD no frequency). This sequence change creates a premature translational stop signal (p.Tyr48*) in the IRAK4 gene. It is expected to result in an absent or disrupted protein product. Loss-of-function variants in IRAK4 are known to be pathogenic (PMID: 17893200, 21057262).

Literature cited by the submitters: PubMed 17893200; PubMed 21057262.